The following is an entry in ClinVar:

NM_173076.3(ABCA12):c.2811T>C (p.Asp937=)

Gene: ABCA12 (ATP binding cassette subfamily A member 12; minus strand). Cytogenetic location: 2q35.
Variant type: single nucleotide variant.
Coding change: c.2811T>C on transcript NM_173076.3 (MANE Select); coding-DNA position 2811, T replaced by C.
Protein change: p.Asp937=; no amino-acid change (aspartic acid 937 retained).
Molecular consequence: synonymous variant. On other transcripts: non-coding transcript variant (1).
Genome position (GRCh38, 1-based): chr2:215,001,610, A>G on the plus strand (T>C on the coding strand, the complement: ABCA12 is on the minus strand). VCF-style: chr2-215001610-A-G. GRCh37 (hg19) VCF-style: chr2-215866334-A-G.
Other names: c.1857T>C, p.Asp619= (NM_015657.4).
Identifiers: ClinVar variation 2651867 (VCV002651867.24), dbSNP rs1700147330, ClinGen allele CA431151091.

ClinVar aggregate classification (germline): Likely benign (1 of 4 stars; one submission).

Allele frequency attached by ClinVar (database versions not stated): TOPMed below 0.00001.
gnomAD v4.1: 4 of 1,613,784 alleles (0.00025%); highest among the groups gnomAD compares: Non-Finnish European, 0.00025%; no homozygotes.

Submission:

CeGaT Center for Human Genetics Tuebingen
Classification: Likely benign. Last evaluated: 2022-07-01. Review status: criteria provided, single submitter. Criteria: CeGaT Center For Human Genetics Tuebingen Variant Classification Criteria Version 2. Collection method: clinical testing. Allele origin: germline. Affected: yes. Observed: 1 variant allele.
Comment: ABCA12: PM2:Supporting, BP4, BP7